The following is an entry in ClinVar:

ClinVar aggregate classification (germline): Benign (1 of 4 stars; one submission).

Conditions:
Familial cancer of breast. Also called: BREAST CANCER, FAMILIAL; Hereditary breast cancer; hereditary breast carcinoma. Identifiers: Orphanet 227535, MedGen C0346153, MONDO:0016419, OMIM 114480. Disease mechanism: loss of function.

Submission:

Myriad Genetics, Inc.
Classification: Benign for Familial cancer of breast. Last evaluated: 2024-04-26. Review status: criteria provided, single submitter. Criteria: Myriad Autosomal Dominant, Autosomal Recessive and X-Linked Classification Criteria (2023). Collection method: clinical testing. Allele origin: unknown.
Comment: This variant is considered benign. This variant is a silent/synonymous amino acid change and it is not expected to impact splicing.

NM_000051.4(ATM):c.1353T>C (p.Arg451=)

Gene: ATM (ATM serine/threonine kinase; plus strand). Cytogenetic location: 11q22.3.
Variant type: single nucleotide variant.
Coding change: c.1353T>C on transcript NM_000051.4 (MANE Select); coding-DNA position 1353, T replaced by C.
Protein change: p.Arg451=; no amino-acid change (arginine 451 retained).
Molecular consequence: synonymous variant.
Genome position (GRCh38, 1-based): chr11:108,250,818, T>C. VCF-style: chr11-108250818-T-C. GRCh37 (hg19) VCF-style: chr11-108121545-T-C.
Other names: c.1353T>C, p.Arg451= (NM_001351834.2).
Identifiers: ClinVar variation 3253774 (VCV003253774.1), dbSNP rs2135319853.